The following is an entry in ClinVar:

NM_002334.4(LRP4):c.5357T>A (p.Met1786Lys)

Genes: LRP4 (LDL receptor related protein 4; minus strand), LRP4-AS1 (LRP4 antisense RNA 1; plus strand). Cytogenetic location: 11p11.2.
Variant type: single nucleotide variant.
Coding change: c.5357T>A on transcript NM_002334.4 (MANE Select); coding-DNA position 5357, T replaced by A.
Protein change: p.Met1786Lys; replaces methionine 1786 with lysine.
Molecular consequence: missense variant.
Genome position (GRCh38, 1-based): chr11:46,862,634, A>T on the plus strand (T>A on the coding strand, the complement: LRP4 is on the minus strand). VCF-style: chr11-46862634-A-T. GRCh37 (hg19) VCF-style: chr11-46884185-A-T.
Other names: short protein forms M1786K.
Identifiers: ClinVar variation 197003 (VCV000197003.19), dbSNP rs61748876, ClinGen allele CA202656.
Genomic context (GRCh38, chr11:46,862,634, plus strand): 5'-AAAGACCCTTGAATATAAATTTCAATTTTTACCTCTTTCTTATAGCACAGCTGGTTGTAC[A>T]TGGCTGGTTTGGGGATTGCTTCAATCTTCACTTCCTGTGTGGATGTTCGGTAGGAGGGGT-3'
Protein context (NP_002325.2, residues 1776-1796): VKIEAIPKPA[Met1786Lys]YNQLCYKKEG

ClinVar aggregate classification (germline): Likely benign. Review status: criteria provided, multiple submitters, no conflicts (2 of 4 stars). 4 submissions from 4 submitters: Likely benign (3). 1 of the submissions does not count toward it. Last evaluated 2026-01-26.

Conditions:
Cenani-Lenz syndactyly syndrome. Also called: SYNDACTYLY, TYPE VII; CENANI SYNDACTYLISM. Identifiers: Orphanet 3258, MedGen C1859309, MONDO:0008931, OMIM 212780.
Congenital myasthenic syndrome 17. Identifiers: Orphanet 590, MedGen C4225377, MONDO:0014578, OMIM 616304.
Sclerosteosis 2 (SOST2). Identifiers: Orphanet 3152, MedGen C3280402, MONDO:0013679, OMIM 614305.
LRP4-related disorder. Also called: LRP4-related condition.

Allele frequency attached by ClinVar (database versions not stated): ESP Exome Variant Server 0.00200; TOPMed 0.00213; gnomAD 0.00225 and 0.00246; 1000 Genomes Project 0.00140; 1000 Genomes Project 30x 0.00156.

Submissions (4):

Labcorp Genetics (formerly Invitae), Labcorp
Classification: Likely benign for Cenani-Lenz syndactyly syndrome; Sclerosteosis 2; Congenital myasthenic syndrome 17. Last evaluated: 2026-01-26. Review status: criteria provided, single submitter. Criteria: Invitae Variant Classification Sherloc (09022015). Collection method: clinical testing. Allele origin: germline.

GeneDx
Classification: Likely benign. Last evaluated: 2020-08-11. Review status: criteria provided, single submitter. Criteria: GeneDx Variant Classification Process June 2021. Collection method: clinical testing. Allele origin: germline. Affected: yes.
Comment: In silico analysis supports that this missense variant does not alter protein structure/function; Has not been previously published as pathogenic or benign to our knowledge

Eurofins Ntd Llc (ga)
Classification: Likely benign. Last evaluated: 2015-03-10. Review status: criteria provided, single submitter. Criteria: EGL Classification Definitions 2015. Collection method: clinical testing. Allele origin: germline. Observed: 1 variant allele, 1 heterozygote.

PreventionGenetics, part of Exact Sciences
Classification: Benign for LRP4-related condition. Last evaluated: 2022-11-16. Review status: no assertion criteria provided. Collection method: clinical testing. Allele origin: germline. Not counted in ClinVar's aggregate classification.
Comment: This variant is classified as benign based on ACMG/AMP sequence variant interpretation guidelines (Richards et al. 2015 PMID: 25741868, with internal and published modifications).